The following is an entry in ClinVar:

ClinVar aggregate classification (germline): Benign/Likely benign. Review status: criteria provided, multiple submitters, no conflicts (2 of 4 stars). 8 submissions from 6 submitters: Benign (7); Likely benign (1). Last evaluated 2026-02-04.

Conditions:
Schwartz-Jampel syndrome. Also called: Myotonic myopathy dwarfism chondrodystrophy and ocular and facial abnormalities. Identifiers: Orphanet 800, MedGen C0036391, MONDO:0009717.
Schwartz-Jampel syndrome type 1 (SJS1). Also called: MYOTONIC MYOPATHY, DWARFISM, CHONDRODYSTROPHY, AND OCULAR AND FACIAL ABNORMALITIES; CHONDRODYSTROPHIC MYOTONIA. Identifiers: MedGen C4551479, MONDO:0100435, OMIM 255800.
Lethal Kniest-like syndrome (DDSH). Also called: Dyssegmental Dysplasia. Identifiers: Orphanet 1865, MedGen C1857100, MONDO:0009140, OMIM 224410.

Allele frequency attached by ClinVar (database versions not stated): 1000 Genomes Project 0.03095; 1000 Genomes Project 30x 0.03123; TOPMed 0.05162; gnomAD 0.05507 and 0.05694; ESP Exome Variant Server 0.05690; ExAC 0.05739; gnomAD exomes 0.05762 and 0.06977.
gnomAD v4.1: 110,098 of 1,614,100 alleles (6.8%); highest among the groups gnomAD compares: Non-Finnish European, 7.8%; 4,112 homozygotes.

Submissions (8):

Labcorp Genetics (formerly Invitae), Labcorp
Classification: Benign. Last evaluated: 2026-02-04. Review status: criteria provided, single submitter. Criteria: Invitae Variant Classification Sherloc (09022015). Collection method: clinical testing. Allele origin: germline.

Blueprint Genetics
Classification: Likely benign. Last evaluated: 2024-11-26. Review status: criteria provided, single submitter. Criteria: ACMG Guidelines, 2015. Collection method: clinical testing. Allele origin: germline.

Genome-Nilou Lab
Classification: Benign for Lethal Kniest-like syndrome. Last evaluated: 2023-04-11. Review status: criteria provided, single submitter. Criteria: ACMG Guidelines, 2015. Collection method: clinical testing. Allele origin: germline. Affected: no.

Genome-Nilou Lab
Classification: Benign for Schwartz-Jampel syndrome type 1. Last evaluated: 2023-04-11. Review status: criteria provided, single submitter. Criteria: ACMG Guidelines, 2015. Collection method: clinical testing. Allele origin: germline. Affected: no.

GeneDx
Classification: Benign. Last evaluated: 2018-08-19. Review status: criteria provided, single submitter. Criteria: GeneDx Variant Classification Process June 2021. Collection method: clinical testing. Allele origin: germline. Affected: yes.

Illumina Laboratory Services, Illumina
Classification: Benign for Schwartz-Jampel syndrome type 1. Last evaluated: 2018-01-12. Review status: criteria provided, single submitter. Criteria: ICSL Variant Classification Criteria 13 December 2019. Collection method: clinical testing. Allele origin: germline.
Comment: This variant was observed in the ICSL laboratory as part of a predisposition screen in an ostensibly healthy population. It had not been previously curated by ICSL or reported in the Human Gene Mutation Database (HGMD: prior to June 1st, 2018), and was therefore a candidate for classification through an automated scoring system. Utilizing variant allele frequency, disease prevalence and penetrance estimates, and inheritance mode, an automated score was calculated to assess if this variant is too frequent to cause the disease. Based on the score and internal cut-off values, a variant classified as benign is not then subjected to further curation. The score for this variant resulted in a classification of benign for this disease.

Illumina Laboratory Services, Illumina
Classification: Benign for Lethal Kniest-like syndrome. Last evaluated: 2018-01-12. Review status: criteria provided, single submitter. Criteria: ICSL Variant Classification Criteria 13 December 2019. Collection method: clinical testing. Allele origin: germline.
Comment: the same text as in the submission from Illumina Laboratory Services, Illumina above.

Breakthrough Genomics
Classification: Benign. Review status: criteria provided, single submitter. Criteria: ACMG Guidelines, 2015. Collection method: not provided. Allele origin: germline. Inheritance: Autosomal recessive inheritance. Affected: yes.

NM_005529.7(HSPG2):c.825G>A (p.Leu275=)

Gene: HSPG2 (heparan sulfate proteoglycan 2; minus strand). Cytogenetic location: 1p36.12.
Variant type: single nucleotide variant.
Coding change: c.825G>A on transcript NM_005529.7 (MANE Select); coding-DNA position 825, G replaced by A.
Protein change: p.Leu275=; no amino-acid change (leucine 275 retained).
Molecular consequence: synonymous variant.
Genome position (GRCh38, 1-based): chr1:21,887,553, C>T on the plus strand (G>A on the coding strand, the complement: HSPG2 is on the minus strand). VCF-style: chr1-21887553-C-T. GRCh37 (hg19) VCF-style: chr1-22214046-C-T.
Other names: c.825G>A, p.Leu275= (NM_001291860.2).
Identifiers: ClinVar variation 295906 (VCV000295906.18), dbSNP rs41307868, ClinGen allele CA673689.